The following is an entry in ClinVar:

ClinVar aggregate classification (germline): Pathogenic (1 of 4 stars; one submission).

Conditions:
Fanconi anemia (FA). Also called: Fanconi's anemia. Identifiers: Orphanet 84, MedGen C0015625, MeSH D005199, MONDO:0019391.

Submission:

Labcorp Genetics (formerly Invitae), Labcorp
Classification: Pathogenic for Fanconi anemia. Last evaluated: 2023-05-02. Review status: criteria provided, single submitter. Criteria: Invitae Variant Classification Sherloc (09022015). Collection method: clinical testing. Allele origin: germline.
Comment: For these reasons, this variant has been classified as Pathogenic. This premature translational stop signal has been observed in individual(s) with breast or ovarian cancer (PMID: 23211700). This variant is not present in population databases (gnomAD no frequency). This sequence change creates a premature translational stop signal (p.Glu1517*) in the SLX4 gene. It is expected to result in an absent or disrupted protein product. Loss-of-function variants in SLX4 are known to be pathogenic (PMID: 21240277).

Literature cited by the submitters: PubMed 23211700; PubMed 21240277.

NM_032444.4(SLX4):c.4549G>T (p.Glu1517Ter)

Gene: SLX4 (SLX4 structure-specific endonuclease subunit; minus strand). Cytogenetic location: 16p13.3.
Variant type: single nucleotide variant.
Coding change: c.4549G>T on transcript NM_032444.4 (MANE Select); coding-DNA position 4549, G replaced by T.
Protein change: p.Glu1517Ter; replaces glutamic acid 1517 with a stop codon.
Molecular consequence: nonsense.
Genome position (GRCh38, 1-based): chr16:3,589,089, C>A on the plus strand (G>T on the coding strand, the complement: SLX4 is on the minus strand). VCF-style: chr16-3589089-C-A. GRCh37 (hg19) VCF-style: chr16-3639090-C-A.
Other names: short protein forms E1517*.
Identifiers: ClinVar variation 2736316 (VCV002736316.3), dbSNP rs2151120967, ClinGen allele CA394516906.